The following is an entry in ClinVar:

NM_001199107.2(TBC1D24):c.1538G>A (p.Gly513Asp)

Gene: TBC1D24 (TBC1 domain family member 24; plus strand). Cytogenetic location: 16p13.3.
Variant type: single nucleotide variant.
Coding change: c.1538G>A on transcript NM_001199107.2 (MANE Select); coding-DNA position 1538, G replaced by A.
Protein change: p.Gly513Asp; replaces glycine 513 with aspartic acid.
Molecular consequence: missense variant.
Genome position (GRCh38, 1-based): chr16:2,500,816, G>A. VCF-style: chr16-2500816-G-A. GRCh37 (hg19) VCF-style: chr16-2550817-G-A.
Other names: c.1520G>A, p.Gly507Asp (NM_020705.3); short protein forms G513D, G507D.
Identifiers: ClinVar variation 2938118 (VCV002938118.3), dbSNP rs2505528697, ClinGen allele CA394381491.

ClinVar aggregate classification (germline): Uncertain significance (1 of 4 stars; one submission).

Conditions:
Autosomal dominant nonsyndromic hearing loss 65. Also called: Deafness, autosomal dominant 65; TBC1D24-Related Autosomal Dominant Nonsyndromic Hearing Loss (DFNA). Identifiers: Orphanet 90635, MedGen C3892048, MONDO:0014470, OMIM 616044.
Developmental and epileptic encephalopathy, 1 (DEE1). Also called: INFANTILE SPASM SYNDROME, X-LINKED 1; X-linked infantile spasms; West's syndrome; Tonic spasms with clustering, arrest of psychomotor development and hypsarrhythmia on EEG; X-Linked Infantile Spasm Syndrome; OHTAHARA SYNDROME, X-LINKED. Identifiers: MedGen C3463992, MONDO:0010632, OMIM 308350. Disease mechanism: loss of function.

Allele frequency attached by ClinVar (database versions not stated): gnomAD exomes below 0.00001.

Submission:

Labcorp Genetics (formerly Invitae), Labcorp
Classification: Uncertain significance for Developmental and epileptic encephalopathy, 1; Autosomal dominant nonsyndromic hearing loss 65. Last evaluated: 2023-03-01. Review status: criteria provided, single submitter. Criteria: Invitae Variant Classification Sherloc (09022015). Collection method: clinical testing. Allele origin: germline.
Comment: In summary, the available evidence is currently insufficient to determine the role of this variant in disease. Therefore, it has been classified as a Variant of Uncertain Significance. Advanced modeling of protein sequence and biophysical properties (such as structural, functional, and spatial information, amino acid conservation, physicochemical variation, residue mobility, and thermodynamic stability) performed at Invitae indicates that this missense variant is not expected to disrupt TBC1D24 protein function. This missense change has been observed in individual(s) with deafness (PMID: 32860223, 33986365). This variant is not present in population databases (gnomAD no frequency). This sequence change replaces glycine, which is neutral and non-polar, with aspartic acid, which is acidic and polar, at codon 513 of the TBC1D24 protein (p.Gly513Asp).

Literature cited by the submitters: PubMed 32860223; PubMed 33986365.